The following is an entry in ClinVar:

ClinVar aggregate classification (germline): Likely benign (1 of 4 stars; one submission).

Allele frequency attached by ClinVar (database versions not stated): gnomAD 0.00001; gnomAD exomes 0.00002; ExAC 0.00003; 1000 Genomes Project 30x 0.00016; 1000 Genomes Project 0.00020.
gnomAD v4.1: 34 of 1,607,174 alleles (0.0021%); highest among the groups gnomAD compares: South Asian, 0.012%; no homozygotes.

Submission:

CeGaT Center for Human Genetics Tuebingen
Classification: Likely benign. Last evaluated: 2022-12-01. Review status: criteria provided, single submitter. Criteria: CeGaT Center For Human Genetics Tuebingen Variant Classification Criteria Version 2. Collection method: clinical testing. Allele origin: germline. Affected: yes. Observed: 1 variant allele.
Comment: GNAI2: BP4, BP7

NM_002070.4(GNAI2):c.1014C>T (p.Asp338=)

Gene: GNAI2 (G protein subunit alpha i2; plus strand). Cytogenetic location: 3p21.31.
Variant type: single nucleotide variant.
Coding change: c.1014C>T on transcript NM_002070.4 (MANE Select); coding-DNA position 1014, C replaced by T.
Protein change: p.Asp338=; no amino-acid change (aspartic acid 338 retained).
Molecular consequence: synonymous variant.
Genome position (GRCh38, 1-based): chr3:50,257,636, C>T. VCF-style: chr3-50257636-C-T. GRCh37 (hg19) VCF-style: chr3-50295068-C-T.
Other names: c.903C>T, p.Asp301= (NM_001166425.2); c.858C>T, p.Asp286= (NM_001282617.2); c.771C>T, p.Asp257= (NM_001282618.2); c.966C>T, p.Asp322= (NM_001282619.2, NM_001282620.2).
Identifiers: ClinVar variation 2653856 (VCV002653856.24), dbSNP rs587718685, ClinGen allele CA2413588.